The following is an entry in ClinVar:

NM_052867.4(NALCN):c.4573G>A (p.Gly1525Ser)

Gene: NALCN (sodium leak channel, non-selective; minus strand). Cytogenetic location: 13q32.3.
Variant type: single nucleotide variant.
Coding change: c.4573G>A on transcript NM_052867.4 (MANE Select); coding-DNA position 4573, G replaced by A.
Protein change: p.Gly1525Ser; replaces glycine 1525 with serine.
Molecular consequence: missense variant.
Genome position (GRCh38, 1-based): chr13:101,065,435, C>T on the plus strand (G>A on the coding strand, the complement: NALCN is on the minus strand). VCF-style: chr13-101065435-C-T. GRCh37 (hg19) VCF-style: chr13-101717787-C-T.
Other names: c.4660G>A, p.Gly1554Ser (NM_001350748.2); c.4573G>A, p.Gly1525Ser (NM_001350749.2); c.4486G>A, p.Gly1496Ser (NM_001350750.2, NM_001350751.2); short protein forms G1496S, G1525S, G1554S.
Identifiers: ClinVar variation 1722964 (VCV001722964.2), dbSNP rs2501831211, ClinGen allele CA388645339.
Genomic context (GRCh38, chr13:101,065,435, plus strand): 5'-ATTCAGCCCTGCGAAAGCCTGCCTTGTACCTCAGGACATCATGGAAGGTGACGTCGCCGC[C>T]ATTGTGGAGCCTCTCCATTTCGTAGCACATGTGCTTAAACAGGAGCTTGTCCTTGTCCAG-3'
Protein context (NP_443099.1, residues 1515-1535): MCYEMERLHN[Gly1525Ser]GDVTFHDVLS

ClinVar aggregate classification (germline): Uncertain significance (1 of 4 stars; one submission).

Submission:

GeneDx
Classification: Uncertain significance. Last evaluated: 2022-11-07. Review status: criteria provided, single submitter. Criteria: GeneDx Variant Classification Process June 2021. Collection method: clinical testing. Allele origin: germline. Affected: yes.
Comment: Not observed at significant frequency in large population cohorts (gnomAD); In silico analysis supports that this missense variant has a deleterious effect on protein structure/function; Has not been previously published as pathogenic or benign to our knowledge